The following is an entry in ClinVar:

NM_014053.4(FLVCR1):c.1500G>A (p.Trp500Ter)

Gene: FLVCR1 (FLVCR choline and heme transporter 1; plus strand). Cytogenetic location: 1q32.3.
Variant type: single nucleotide variant.
Coding change: c.1500G>A on transcript NM_014053.4 (MANE Select); coding-DNA position 1500, G replaced by A.
Protein change: p.Trp500Ter; replaces tryptophan 500 with a stop codon.
Molecular consequence: nonsense.
Genome position (GRCh38, 1-based): chr1:212,889,232, G>A. VCF-style: chr1-212889232-G-A. GRCh37 (hg19) VCF-style: chr1-213062574-G-A.
Other names: c.1500G>A (NM_014053.2); short protein forms W500*.
Identifiers: ClinVar variation 1939392 (VCV001939392.6), dbSNP rs2464500607, ClinGen allele CA344793934.

ClinVar aggregate classification (germline): Pathogenic/Likely pathogenic. Review status: criteria provided, multiple submitters, no conflicts (2 of 4 stars). 2 submissions from 2 submitters: Pathogenic (1); Likely pathogenic (1). Last evaluated 2022-12-16.

Submissions (2):

Athena Diagnostics
Classification: Likely pathogenic. Last evaluated: 2022-12-16. Review status: criteria provided, single submitter. Criteria: Athena Diagnostics Criteria. Collection method: clinical testing. Allele origin: unknown.
Comment: This variant is expected to result in the loss of a functional protein. This variant has not been reported in large, multi-ethnic general populations.

Labcorp Genetics (formerly Invitae), Labcorp
Classification: Pathogenic. Last evaluated: 2022-03-28. Review status: criteria provided, single submitter. Criteria: Invitae Variant Classification Sherloc (09022015). Collection method: clinical testing. Allele origin: germline.
Comment: For these reasons, this variant has been classified as Pathogenic. This sequence change creates a premature translational stop signal (p.Trp500*) in the FLVCR1 gene. It is expected to result in an absent or disrupted protein product. Loss-of-function variants in FLVCR1 are known to be pathogenic (PMID: 23591405, 27923065). This variant is not present in population databases (gnomAD no frequency). This variant has not been reported in the literature in individuals affected with FLVCR1-related conditions. Algorithms developed to predict the effect of sequence changes on RNA splicing suggest that this variant may disrupt the consensus splice site.

Literature cited by the submitters: PubMed 23591405 (cited by Labcorp Genetics (formerly Invitae), Labcorp); PubMed 27923065 (cited by Labcorp Genetics (formerly Invitae), Labcorp).